The following is an entry in ClinVar:

ClinVar aggregate classification (germline): Benign/Likely benign. Review status: criteria provided, multiple submitters, no conflicts (2 of 4 stars). 6 submissions from 6 submitters: Benign (2); Likely benign (3). 1 of the submissions does not count toward it. Last evaluated 2026-02-03.

Conditions:
CHRM2-related disorder. Also called: CHRM2-related condition.

Allele frequency attached by ClinVar (database versions not stated): 1000 Genomes Project 0.00100; 1000 Genomes Project 30x 0.00109; ESP Exome Variant Server 0.00115; gnomAD exomes 0.00119 and 0.00145; gnomAD 0.00128 and 0.00137; ExAC 0.00145; TOPMed 0.00151.
gnomAD v4.1: 2,016 of 1,613,034 alleles (0.12%); highest among the groups gnomAD compares: Middle Eastern, 2%; 5 homozygotes.

Submissions (6):

Labcorp Genetics (formerly Invitae), Labcorp
Classification: Benign. Last evaluated: 2026-02-03. Review status: criteria provided, single submitter. Criteria: Invitae Variant Classification Sherloc (09022015). Collection method: clinical testing. Allele origin: germline.

Blueprint Genetics
Classification: Likely benign. Last evaluated: 2024-11-25. Review status: criteria provided, single submitter. Criteria: ACMG Guidelines, 2015. Collection method: clinical testing. Allele origin: germline.

GeneDx
Classification: Benign. Last evaluated: 2018-02-13. Review status: criteria provided, single submitter. Criteria: GeneDx Variant Classification (06012015). Collection method: clinical testing. Allele origin: germline. Affected: yes.
Comment: This variant is considered likely benign or benign based on one or more of the following criteria: it is a conservative change, it occurs at a poorly conserved position in the protein, it is predicted to be benign by multiple in silico algorithms, and/or has population frequency not consistent with disease.

Laboratory for Molecular Medicine, Mass General Brigham Personalized Medicine
Classification: Likely benign. Last evaluated: 2015-06-24. Review status: criteria provided, single submitter. Criteria: LMM Criteria. Collection method: clinical testing. Allele origin: germline. Observed: 4 variant alleles.
Comment: p.Asn258Ser in exon 5 of CHRM2: This variant is not expected to have clinical si gnificance because of its population frequency and lack of evolutionary conserva tion. It is present in 0.2% (135/66208) of European chromosomes screened by the Exome Aggregation Consortium (ExAC; dbSNP rs1420 06633). Two mammals and >10 bird, reptile and fish species carrying a serine (Se r) at position 258, supporting that this change may be tolerated.

Breakthrough Genomics
Classification: Likely benign. Review status: criteria provided, single submitter. Criteria: ACMG Guidelines, 2015. Collection method: not provided. Allele origin: germline. Inheritance: Unknown mechanism. Affected: yes.

PreventionGenetics, part of Exact Sciences
Classification: Likely benign for CHRM2-related condition. Last evaluated: 2021-04-07. Review status: no assertion criteria provided. Collection method: clinical testing. Allele origin: germline. Not counted in ClinVar's aggregate classification.
Comment: This variant is classified as likely benign based on ACMG/AMP sequence variant interpretation guidelines (Richards et al. 2015 PMID: 25741868, with internal and published modifications).

NM_001006630.2(CHRM2):c.773A>G (p.Asn258Ser)

Genes: CHRM2 (cholinergic receptor muscarinic 2; plus strand), LOC349160 (uncharacterized LOC349160; minus strand). Cytogenetic location: 7q33.
Variant type: single nucleotide variant.
Coding change: c.773A>G on transcript NM_001006630.2 (MANE Select); coding-DNA position 773, A replaced by G.
Protein change: p.Asn258Ser; replaces asparagine 258 with serine.
Molecular consequence: missense variant.
Genome position (GRCh38, 1-based): chr7:137,015,638, A>G. VCF-style: chr7-137015638-A-G. GRCh37 (hg19) VCF-style: chr7-136700385-A-G.
Other names: c.773A>G, p.Asn258Ser (NM_000739.3, NM_001006626.3, NM_001006627.3 and 6 more transcripts); c.773A>G (NM_001006627.1); short protein forms N258S.
Identifiers: ClinVar variation 227249 (VCV000227249.19), dbSNP rs142006633, ClinGen allele CA4500575.